The following is an entry in ClinVar:

ClinVar aggregate classification (germline): Pathogenic (1 of 4 stars; one submission).

Submission:

GeneDx
Classification: Pathogenic. Last evaluated: 2025-02-19. Review status: criteria provided, single submitter. Criteria: GeneDx Variant Classification Process June 2021. Collection method: clinical testing. Allele origin: germline. Affected: yes.
Comment: Identified with unknown inheritance in a patient with Dravet syndrome reported in the published literature (PMID: 31864146); Nonsense variant predicted to result in protein truncation, as the last 232 amino acid(s) are lost, and other loss-of-function variants have been reported downstream in HGMD; Not observed at significant frequency in large population cohorts (gnomAD); This variant is associated with the following publications: (PMID: 31864146)

NM_001165963.4(SCN1A):c.5332del (p.Val1777_Val1778insTer)

Genes: SCN1A (sodium voltage-gated channel alpha subunit 1; minus strand), LOC102724058 (uncharacterized LOC102724058; plus strand). Cytogenetic location: 2q24.3.
Variant type: Deletion.
Coding change: c.5332del on transcript NM_001165963.4 (MANE Select); coding-DNA position 5332, one base deleted (G; older notation c.5332delG).
Protein change: p.Val1777_Val1778insTer.
Molecular consequence: nonsense. On other transcripts: non-coding transcript variant (1).
Genome position (GRCh38, 1-based): chr2:165,991,943, C deleted on the plus strand (G on the coding strand, the reverse complement: SCN1A is on the minus strand); the first of 2 consecutive C bases (chr2:165,991,943-165,991,944); deleting either gives the same sequence. VCF-style (leftmost placement, unchanged base first): chr2-165991942-AC-A. GRCh37 (hg19) VCF-style: chr2-166848452-AC-A.
Other names: c.5248del, p.Val1749_Val1750insTer (NM_001165964.3, NM_001353957.2, NM_001353958.2); c.5332del, p.Val1777_Val1778insTer (NM_001202435.3, NM_001353948.2); c.5299del, p.Val1766_Val1767insTer (NM_001353949.2, NM_001353950.2, NM_001353951.2 and 2 more transcripts); c.5296del, p.Val1765_Val1766insTer (NM_001353954.2, NM_001353955.2); c.5245del, p.Val1748_Val1749insTer (NM_001353960.2); c.2890del, p.Val963_Val964insTer (NM_001353961.2).
Identifiers: ClinVar variation 4076599 (VCV004076599.1).